The following is an entry in ClinVar:

ClinVar aggregate classification (germline): Uncertain significance (1 of 4 stars; one submission).

Conditions:
Nephronophthisis. Also called: Juvenile Nephronophthisis. Identifiers: Orphanet 655, MedGen C0687120, MONDO:0019005, HP:0000090.

Submission:

Labcorp Genetics (formerly Invitae), Labcorp
Classification: Uncertain significance for Nephronophthisis. Last evaluated: 2022-06-13. Review status: criteria provided, single submitter. Criteria: Invitae Variant Classification Sherloc (09022015). Collection method: clinical testing. Allele origin: germline.
Comment: In summary, the available evidence is currently insufficient to determine the role of this variant in disease. Therefore, it has been classified as a Variant of Uncertain Significance. This variant has not been reported in the literature in individuals affected with NPHP4-related conditions. This variant is present in population databases (rs766885540, gnomAD 0.006%). This variant, c.2673_2675dup, results in the insertion of 1 amino acid(s) of the NPHP4 protein (p.Leu892dup), but otherwise preserves the integrity of the reading frame.

NM_015102.5(NPHP4):c.2673_2675dup (p.Leu892_Thr893insLeu)

Gene: NPHP4 (nephrocystin 4; minus strand). Cytogenetic location: 1p36.31.
Variant type: Duplication.
Coding change: c.2673_2675dup on transcript NM_015102.5 (MANE Select); coding-DNA positions 2673 to 2675, 3 bases duplicated (ACT; older notation c.2673_2675dupACT).
Protein change: p.Leu892_Thr893insLeu.
Molecular consequence: inframe insertion. On other transcripts: non-coding transcript variant (1).
Genome position (GRCh38, 1-based): chr1:5,877,235-5,877,237, AGT duplicated on the plus strand (ACT on the coding strand, the reverse complement: NPHP4 is on the minus strand); duplicating any 3 consecutive bases within chr1:5,877,235-5,877,239 gives the same sequence; the c. name uses the placement nearest the transcript's 3' end. VCF-style (leftmost placement, unchanged base first): chr1-5877234-C-CAGT. GRCh37 (hg19) VCF-style: chr1-5937294-C-CAGT.
Other names: c.1134_1136dup, p.Leu379_Thr380insLeu (NM_001291593.2); c.1137_1139dup, p.Leu380_Thr381insLeu (NM_001291594.2).
Identifiers: ClinVar variation 2108223 (VCV002108223.4), dbSNP rs766885540, ClinGen allele CA553971.